The following is an entry in ClinVar:

NM_005883.3(APC2):c.3003C>G (p.His1001Gln)

Gene: APC2 (APC regulator of WNT signaling pathway 2; plus strand). Cytogenetic location: 19p13.3.
Variant type: single nucleotide variant.
Coding change: c.3003C>G on transcript NM_005883.3 (MANE Select); coding-DNA position 3003, C replaced by G.
Protein change: p.His1001Gln; replaces histidine 1001 with glutamine.
Molecular consequence: missense variant.
Genome position (GRCh38, 1-based): chr19:1,466,304, C>G. VCF-style: chr19-1466304-C-G. GRCh37 (hg19) VCF-style: chr19-1466303-C-G.
Other names: c.3000C>G, p.His1000Gln (NM_001351273.1); short protein forms H1000Q, H1001Q.
Identifiers: ClinVar variation 1311997 (VCV001311997.2), dbSNP rs771763880, ClinGen allele CA9045597.

ClinVar aggregate classification (germline): Uncertain significance (1 of 4 stars; one submission).

Allele frequency attached by ClinVar (database versions not stated): gnomAD 0.00002.

Submission:

GeneDx
Classification: Uncertain significance. Last evaluated: 2020-02-04. Review status: criteria provided, single submitter. Criteria: GeneDx Variant Classification Process June 2021. Collection method: clinical testing. Allele origin: germline. Affected: yes.
Comment: In silico analysis supports that this missense variant has a deleterious effect on protein structure/function; Has not been previously published as pathogenic or benign to our knowledge